The following is an entry in ClinVar:

ClinVar aggregate classification (germline): Pathogenic (1 of 4 stars; one submission).

Conditions:
Hereditary cancer-predisposing syndrome. Also called: Tumor predisposition; Hereditary Cancer Syndrome; Hereditary neoplastic syndrome; Neoplastic Syndromes, Hereditary. Identifiers: Orphanet 140162, MedGen C0027672, MeSH D009386, MONDO:0015356.

Submission:

Ambry Genetics
Classification: Pathogenic for Hereditary cancer-predisposing syndrome. Last evaluated: 2023-09-05. Review status: criteria provided, single submitter. Criteria: Ambry Variant Classification Scheme 2023. Collection method: clinical testing. Allele origin: germline.
Comment: The c.190delC pathogenic mutation, located in coding exon 3 of the XRCC2 gene, results from a deletion of one nucleotide at nucleotide position 190, causing a translational frameshift with a predicted alternate stop codon (p.R64Dfs*13). This alteration occurs at the 3' terminus of XRCC2 gene, is not expected to trigger nonsense-mediated mRNA decay, and only impacts the last 217 amino acids of the protein. However, premature stop codons are typically deleterious in nature and the impacted region is critical for protein function (Ambry internal data). This variant is considered to be rare based on population cohorts in the Genome Aggregation Database (gnomAD). Based on the supporting evidence, this alteration is interpreted as a disease-causing mutation.

NM_005431.2(XRCC2):c.190del (p.Arg64fs)

Gene: XRCC2 (X-ray repair cross complementing 2; minus strand). Cytogenetic location: 7q36.1.
Variant type: Deletion.
Coding change: c.190del on transcript NM_005431.2 (MANE Select); coding-DNA position 190, one base deleted (C; older notation c.190delC).
Protein change: p.Arg64fs; shifts the reading frame from arginine 64.
Molecular consequence: frameshift variant.
Genome position (GRCh38, 1-based): chr7:152,649,295, G deleted on the plus strand (C on the coding strand, the reverse complement: XRCC2 is on the minus strand). VCF-style (leftmost placement, unchanged base first): chr7-152649294-CG-C. GRCh37 (hg19) VCF-style: chr7-152346379-CG-C.
Other names: short protein forms R64fs.
Identifiers: ClinVar variation 2625105 (VCV002625105.2), dbSNP rs2485881992, ClinGen allele CA2582341954.